The following is an entry in ClinVar:

ClinVar aggregate classification (germline): Uncertain significance. Review status: criteria provided, multiple submitters, no conflicts (2 of 4 stars). 3 submissions from 3 submitters: Uncertain significance (3). Last evaluated 2025-09-05.

Conditions:
Hereditary nonpolyposis colorectal neoplasms. Identifiers: MedGen C0009405, MeSH D003123.
Hereditary cancer-predisposing syndrome. Also called: Tumor predisposition; Hereditary Cancer Syndrome; Neoplastic Syndromes, Hereditary; Hereditary neoplastic syndrome. Identifiers: Orphanet 140162, MedGen C0027672, MeSH D009386, MONDO:0015356.

Submissions (3):

Ambry Genetics
Classification: Uncertain significance for Hereditary cancer-predisposing syndrome. Last evaluated: 2025-09-05. Review status: criteria provided, single submitter. Criteria: Ambry Variant Classification Scheme 2023. Collection method: clinical testing. Allele origin: germline.
Comment: The p.G354E variant (also known as c.1061G>A), located in coding exon 4 of the MSH6 gene, results from a G to A substitution at nucleotide position 1061. The glycine at codon 354 is replaced by glutamic acid, an amino acid with similar properties. This amino acid position is well conserved in available vertebrate species. In addition, the in silico prediction for this alteration is inconclusive. Based on the available evidence, the clinical significance of this variant remains unclear.

Labcorp Genetics (formerly Invitae), Labcorp
Classification: Uncertain significance for Hereditary nonpolyposis colorectal neoplasms. Last evaluated: 2023-03-08. Review status: criteria provided, single submitter. Criteria: Invitae Variant Classification Sherloc (09022015). Collection method: clinical testing. Allele origin: germline.
Comment: In summary, the available evidence is currently insufficient to determine the role of this variant in disease. Therefore, it has been classified as a Variant of Uncertain Significance. Advanced modeling of protein sequence and biophysical properties (such as structural, functional, and spatial information, amino acid conservation, physicochemical variation, residue mobility, and thermodynamic stability) performed at Invitae indicates that this missense variant is not expected to disrupt MSH6 protein function. ClinVar contains an entry for this variant (Variation ID: 1331954). This variant has not been reported in the literature in individuals affected with MSH6-related conditions. This variant is not present in population databases (gnomAD no frequency). This sequence change replaces glycine, which is neutral and non-polar, with glutamic acid, which is acidic and polar, at codon 354 of the MSH6 protein (p.Gly354Glu).

Color Diagnostics, LLC DBA Color Health
Classification: Uncertain significance for Hereditary cancer-predisposing syndrome. Last evaluated: 2021-04-20. Review status: criteria provided, single submitter. Criteria: ACMG Guidelines, 2015. Collection method: clinical testing. Allele origin: germline.
Comment: This missense variant replaces glycine with glutamic acid at codon 354 of the MSH6 protein. Computational prediction suggests that this variant may not impact protein structure and function (internally defined REVEL score threshold <= 0.5, PMID: 27666373). To our knowledge, functional studies have not been reported for this variant. This variant has not been reported in individuals affected with hereditary cancer in the literature. This variant has not been identified in the general population by the Genome Aggregation Database (gnomAD). The available evidence is insufficient to determine the role of this variant in disease conclusively. Therefore, this variant is classified as a Variant of Uncertain Significance.

NM_000179.3(MSH6):c.1061G>A (p.Gly354Glu)

Gene: MSH6 (mutS homolog 6; plus strand). Cytogenetic location: 2p16.3.
Variant type: single nucleotide variant.
Coding change: c.1061G>A on transcript NM_000179.3 (MANE Select); coding-DNA position 1061, G replaced by A.
Protein change: p.Gly354Glu; replaces glycine 354 with glutamic acid.
Molecular consequence: missense variant.
Genome position (GRCh38, 1-based): chr2:47,799,044, G>A. VCF-style: chr2-47799044-G-A. GRCh37 (hg19) VCF-style: chr2-48026183-G-A.
Other names: c.671G>A, p.Gly224Glu (NM_001281492.2); c.155G>A, p.Gly52Glu (NM_001281493.2, NM_001281494.2); short protein forms G224E, G354E, G52E.
Identifiers: ClinVar variation 1331954 (VCV001331954.8), dbSNP rs730881788, ClinGen allele CA346741614.